The following is an entry in ClinVar:

ClinVar aggregate classification (germline): Uncertain significance (1 of 4 stars; one submission).

Conditions:
Nephrolithiasis/nephrocalcinosis. Identifiers: MedGen CN580796.

Submission:

Ambry Genetics
Classification: Uncertain significance for Nephrolithiasis/nephrocalcinosis. Last evaluated: 2023-06-21. Review status: criteria provided, single submitter. Criteria: Ambry Variant Classification Scheme 2023. Collection method: clinical testing. Allele origin: germline.
Comment: The p.L842M variant (also known as c.2524C>A), located in coding exon 6 of the CASR gene, results from a C to A substitution at nucleotide position 2524. The leucine at codon 842 is replaced by methionine, an amino acid with highly similar properties. This amino acid position is conserved. In addition, this alteration is predicted to be deleterious by in silico analysis. Since supporting evidence is limited at this time, the clinical significance of this alteration remains unclear.

NM_000388.4(CASR):c.2524C>A (p.Leu842Met)

Gene: CASR (calcium sensing receptor; plus strand). Cytogenetic location: 3q21.1.
Variant type: single nucleotide variant.
Coding change: c.2524C>A on transcript NM_000388.4 (MANE Select); coding-DNA position 2524, C replaced by A.
Protein change: p.Leu842Met; replaces leucine 842 with methionine.
Molecular consequence: missense variant.
Genome position (GRCh38, 1-based): chr3:122,284,478, C>A. VCF-style: chr3-122284478-C-A. GRCh37 (hg19) VCF-style: chr3-122003325-C-A.
Other names: c.2554C>A, p.Leu852Met (NM_001178065.2); short protein forms L842M, L852M.
Identifiers: ClinVar variation 3231543 (VCV003231543.1), dbSNP rs927218027, ClinGen allele CA82749017.
Genomic context (GRCh38, chr3:122,284,478, plus strand): 5'-ATTCCAGCCTATGCCAGCACCTATGGCAAGTTTGTCTCTGCCGTAGAGGTGATTGCCATC[C>A]TGGCAGCCAGCTTTGGCTTGCTGGCGTGCATCTTCTTCAACAAGATCTACATCATTCTCT-3'
Protein context (NP_000379.3, residues 832-852): FVSAVEVIAI[Leu842Met]AASFGLLACI